The following is an entry in ClinVar:

ClinVar aggregate classification (germline): Uncertain significance. Review status: criteria provided, multiple submitters, no conflicts (2 of 4 stars). 3 submissions from 3 submitters: Uncertain significance (3). Last evaluated 2025-05-19.

Conditions:
Inborn genetic diseases. Identifiers: MedGen C0950123, MeSH D030342.

Allele frequency attached by ClinVar (database versions not stated): gnomAD exomes below 0.00001 and 0.00001; gnomAD 0.00001; TOPMed 0.00002.
gnomAD v4.1: 20 of 1,614,020 alleles (0.0012%); highest among the groups gnomAD compares: East Asian, 0.011%; no homozygotes.

Submissions (3):

Ambry Genetics
Classification: Uncertain significance for Inborn genetic diseases. Last evaluated: 2025-05-19. Review status: criteria provided, single submitter. Criteria: Ambry Variant Classification Scheme 2023. Collection method: clinical testing. Allele origin: germline.

Blueprint Genetics
Classification: Uncertain significance. Last evaluated: 2024-02-12. Review status: criteria provided, single submitter. Criteria: ACMG Guidelines, 2015. Collection method: clinical testing. Allele origin: germline.

Labcorp Genetics (formerly Invitae), Labcorp
Classification: Uncertain significance. Last evaluated: 2021-09-24. Review status: criteria provided, single submitter. Criteria: Invitae Variant Classification Sherloc (09022015). Collection method: clinical testing. Allele origin: germline.
Comment: This sequence change replaces isoleucine with phenylalanine at codon 481 of the TRPM1 protein (p.Ile481Phe). The isoleucine residue is highly conserved and there is a small physicochemical difference between isoleucine and phenylalanine. This variant is not present in population databases (ExAC no frequency). This variant has not been reported in the literature in individuals with TRPM1-related conditions. Algorithms developed to predict the effect of missense changes on protein structure and function are either unavailable or do not agree on the potential impact of this missense change (SIFT: "Deleterious"; PolyPhen-2: "Probably Damaging"; Align-GVGD: "Class C0"). In summary, the available evidence is currently insufficient to determine the role of this variant in disease. Therefore, it has been classified as a Variant of Uncertain Significance.

NM_001252024.2(TRPM1):c.1507A>T (p.Ile503Phe)

Gene: TRPM1 (transient receptor potential cation channel subfamily M member 1; minus strand). Cytogenetic location: 15q13.3.
Variant type: single nucleotide variant.
Coding change: c.1507A>T on transcript NM_001252024.2 (MANE Select); coding-DNA position 1507, A replaced by T.
Protein change: p.Ile503Phe; replaces isoleucine 503 with phenylalanine.
Molecular consequence: missense variant.
Genome position (GRCh38, 1-based): chr15:31,049,440, T>A on the plus strand (A>T on the coding strand, the complement: TRPM1 is on the minus strand). VCF-style: chr15-31049440-T-A. GRCh37 (hg19) VCF-style: chr15-31341643-T-A.
Other names: c.1558A>T, p.Ile520Phe (NM_001252020.2); c.1441A>T, p.Ile481Phe (NM_002420.6); c.1441A>T (NM_002420.4); short protein forms I520F, I481F, I503F.
Identifiers: ClinVar variation 1501154 (VCV001501154.7), dbSNP rs966443024, ClinGen allele CA267480993.
Genomic context (GRCh38, chr15:31,049,440, plus strand): 5'-TATAAAGCTCCTCCAGCCTCGGAATGGTCAGAAAGTGTTGCATGTTCACTCCGTTTTCAA[T>A]CAGGAGCTTCACAAAGTCGACACGATCTAAGACTAAAGCATCTAGCATCGCTTGCTCCAA-3'
Protein context (NP_001238953.1, residues 493-513): LDRVDFVKLL[Ile503Phe]ENGVNMQHFL